The following is an entry in ClinVar:

NM_014629.4(ARHGEF10):c.376T>G (p.Leu126Val)

Gene: ARHGEF10 (Rho guanine nucleotide exchange factor 10; plus strand). Cytogenetic location: 8p23.3.
Variant type: single nucleotide variant.
Coding change: c.376T>G on transcript NM_014629.4 (MANE Select); coding-DNA position 376, T replaced by G.
Protein change: p.Leu126Val; replaces leucine 126 with valine.
Molecular consequence: missense variant.
Genome position (GRCh38, 1-based): chr8:1,860,079, T>G. VCF-style: chr8-1860079-T-G. GRCh37 (hg19) VCF-style: chr8-1808245-T-G.
Other names: c.376T>G, p.Leu126Val (NM_001308152.2, NM_001308153.3); short protein forms L150V, L126V.
Identifiers: ClinVar variation 2128883 (VCV002128883.4), dbSNP rs2536877800, ClinGen allele CA369955824.

ClinVar aggregate classification (germline): Uncertain significance (1 of 4 stars; one submission).

Allele frequency attached by ClinVar (database versions not stated): gnomAD exomes below 0.00001.
gnomAD v4.1: 4 of 1,614,086 alleles (0.00025%); highest among the groups gnomAD compares: Non-Finnish European, 0.00034%; no homozygotes.

Submission:

Labcorp Genetics (formerly Invitae), Labcorp
Classification: Uncertain significance. Last evaluated: 2022-08-25. Review status: criteria provided, single submitter. Criteria: Invitae Variant Classification Sherloc (09022015). Collection method: clinical testing. Allele origin: germline.
Comment: This sequence change replaces leucine, which is neutral and non-polar, with valine, which is neutral and non-polar, at codon 126 of the ARHGEF10 protein (p.Leu126Val). This variant is not present in population databases (gnomAD no frequency). This variant has not been reported in the literature in individuals affected with ARHGEF10-related conditions. Algorithms developed to predict the effect of missense changes on protein structure and function (SIFT, PolyPhen-2, Align-GVGD) all suggest that this variant is likely to be tolerated. Algorithms developed to predict the effect of sequence changes on RNA splicing suggest that this variant may create or strengthen a splice site. In summary, the available evidence is currently insufficient to determine the role of this variant in disease. Therefore, it has been classified as a Variant of Uncertain Significance.